The following is an entry in ClinVar:

ClinVar aggregate classification (germline): Likely benign (1 of 4 stars; one submission).

Submission:

CeGaT Center for Human Genetics Tuebingen
Classification: Likely benign. Last evaluated: 2023-03-01. Review status: criteria provided, single submitter. Criteria: CeGaT Center For Human Genetics Tuebingen Variant Classification Criteria Version 2. Collection method: clinical testing. Allele origin: germline. Affected: yes. Observed: 2 variant alleles.
Comment: WASHC4: PM2:Supporting, BP4, BP7

NM_015275.3(WASHC4):c.2130T>C (p.Phe710=)

Gene: WASHC4 (WASH complex subunit 4; plus strand). Cytogenetic location: 12q23.3.
Variant type: single nucleotide variant.
Coding change: c.2130T>C on transcript NM_015275.3 (MANE Select); coding-DNA position 2130, T replaced by C.
Protein change: p.Phe710=; no amino-acid change (phenylalanine 710 retained).
Molecular consequence: synonymous variant.
Genome position (GRCh38, 1-based): chr12:105,144,406, T>C. VCF-style: chr12-105144406-T-C. GRCh37 (hg19) VCF-style: chr12-105538184-T-C.
Other names: c.2133T>C, p.Phe711= (NM_001293640.2).
Identifiers: ClinVar variation 1013013 (VCV001013013.38), dbSNP rs1474084077, ClinGen allele CA481626378.